The following is an entry in ClinVar:

ClinVar aggregate classification (germline): Likely pathogenic (1 of 4 stars; one submission).

Submission:

Labcorp Genetics (formerly Invitae), Labcorp
Classification: Likely pathogenic. Last evaluated: 2023-07-17. Review status: criteria provided, single submitter. Criteria: Invitae Variant Classification Sherloc (09022015). Collection method: clinical testing. Allele origin: germline.
Comment: In summary, the currently available evidence indicates that the variant is pathogenic, but additional data are needed to prove that conclusively. Therefore, this variant has been classified as Likely Pathogenic. This variant has not been reported in the literature in individuals affected with DPYS-related conditions. This variant results in a copy number gain of the genomic region encompassing exon(s) 2-7 of the DPYS gene. While the exact position of this variant cannot be determined from the data, sub-genic copy number gains are generally in tandem (PMID: 25640679). This variant is predicted to be out-of-frame, and may result in an absent or disrupted protein product. Loss-of-function variants in DPYS are known to be pathogenic (PMID: 20362666).

Literature cited by the submitters: PubMed 25640679; PubMed 20362666.

NC_000008.10:g.(?_105436455)_(105463652_?)dup

Gene: DPYS (dihydropyrimidinase; minus strand). Cytogenetic location: 8q22.3.
Variant type: Duplication.
Identifiers: ClinVar variation 2424158 (VCV002424158.3).